The following is an entry in ClinVar:

ClinVar aggregate classification (germline): Uncertain significance (1 of 4 stars; one submission).

Allele frequency attached by ClinVar (database versions not stated): gnomAD exomes below 0.00001 and 0.00001.
gnomAD v4.1: 15 of 1,613,484 alleles (0.00093%); highest among the groups gnomAD compares: Non-Finnish European, 0.0013%; no homozygotes.

Submission:

Labcorp Genetics (formerly Invitae), Labcorp
Classification: Uncertain significance. Last evaluated: 2022-10-25. Review status: criteria provided, single submitter. Criteria: Invitae Variant Classification Sherloc (09022015). Collection method: clinical testing. Allele origin: germline.
Comment: In summary, the available evidence is currently insufficient to determine the role of this variant in disease. Therefore, it has been classified as a Variant of Uncertain Significance. This sequence change replaces lysine, which is basic and polar, with arginine, which is basic and polar, at codon 298 of the PDZD7 protein (p.Lys298Arg). This variant is not present in population databases (gnomAD no frequency). This variant has not been reported in the literature in individuals affected with PDZD7-related conditions. ClinVar contains an entry for this variant (Variation ID: 1425851). Advanced modeling of protein sequence and biophysical properties (such as structural, functional, and spatial information, amino acid conservation, physicochemical variation, residue mobility, and thermodynamic stability) has been performed at Invitae for this missense variant, however the output from this modeling did not meet the statistical confidence thresholds required to predict the impact of this variant on PDZD7 protein function.

NM_001195263.2(PDZD7):c.893A>G (p.Lys298Arg)

Gene: PDZD7 (PDZ domain containing 7; minus strand). Cytogenetic location: 10q24.31.
Variant type: single nucleotide variant.
Coding change: c.893A>G on transcript NM_001195263.2 (MANE Select); coding-DNA position 893, A replaced by G.
Protein change: p.Lys298Arg; replaces lysine 298 with arginine.
Molecular consequence: missense variant.
Genome position (GRCh38, 1-based): chr10:101,020,653, T>C on the plus strand (A>G on the coding strand, the complement: PDZD7 is on the minus strand). VCF-style: chr10-101020653-T-C. GRCh37 (hg19) VCF-style: chr10-102780410-T-C.
Other names: c.893A>G, p.Lys298Arg (NM_001351044.2, NM_024895.5); short protein forms K298R.
Identifiers: ClinVar variation 1425851 (VCV001425851.6), dbSNP rs1564636130, ClinGen allele CA378229345.